The following is an entry in ClinVar:

NM_007289.4(MME):c.2076+1G>A

Gene: MME (membrane metalloendopeptidase; plus strand). Cytogenetic location: 3q25.2.
Variant type: single nucleotide variant.
Coding change: c.2076+1G>A on transcript NM_007289.4 (MANE Select); the canonical splice donor site of the intron after coding-DNA position 2076, G replaced by A.
Molecular consequence: splice donor variant.
Genome position (GRCh38, 1-based): chr3:155,172,213, G>A. VCF-style: chr3-155172213-G-A. GRCh37 (hg19) VCF-style: chr3-154890002-G-A.
Other names: c.2076+1G>A (NM_001354642.2, NM_000902.5, NM_007287.4 and 2 more transcripts).
Identifiers: ClinVar variation 2850600 (VCV002850600.3), dbSNP rs1170321638, ClinGen allele CA355219048.

ClinVar aggregate classification (germline): Likely pathogenic (1 of 4 stars; one submission).

Allele frequency attached by ClinVar (database versions not stated): gnomAD exomes below 0.00001; TOPMed below 0.00001.
gnomAD v4.1: 1 of 1,587,488 alleles (0.000063%); highest among the groups gnomAD compares: Non-Finnish European, 0.000086%; no homozygotes.

Submission:

Labcorp Genetics (formerly Invitae), Labcorp
Classification: Likely pathogenic. Last evaluated: 2023-03-29. Review status: criteria provided, single submitter. Criteria: Invitae Variant Classification Sherloc (09022015). Collection method: clinical testing. Allele origin: germline.
Comment: This sequence change affects a donor splice site in intron 21 of the MME gene. It is expected to disrupt RNA splicing. Variants that disrupt the donor or acceptor splice site typically lead to a loss of protein function (PMID: 16199547), and loss-of-function variants in MME are known to be pathogenic (PMID: 26991897). This variant is not present in population databases (gnomAD no frequency). This variant has not been reported in the literature in individuals affected with MME-related conditions. Algorithms developed to predict the effect of sequence changes on RNA splicing suggest that this variant may disrupt the consensus splice site. In summary, the currently available evidence indicates that the variant is pathogenic, but additional data are needed to prove that conclusively. Therefore, this variant has been classified as Likely Pathogenic.

Literature cited by the submitters: PubMed 16199547; PubMed 26991897.